The following is an entry in ClinVar:

ClinVar aggregate classification (germline): Uncertain significance. Review status: criteria provided, multiple submitters, no conflicts (2 of 4 stars). 2 submissions from 2 submitters: Uncertain significance (2). Last evaluated 2026-04-20.

Conditions:
Hereditary cancer-predisposing syndrome. Also called: Tumor predisposition; Neoplastic Syndromes, Hereditary; Hereditary Cancer Syndrome; Hereditary neoplastic syndrome. Identifiers: Orphanet 140162, MedGen C0027672, MeSH D009386, MONDO:0015356.
Bloom syndrome (BLM). Also called: Bloom-Torre-Machacek syndrome. Identifiers: Orphanet 125, MedGen C0005859, MONDO:0008876, OMIM 210900.

Submissions (2):

Ambry Genetics
Classification: Uncertain significance for Hereditary cancer-predisposing syndrome. Last evaluated: 2026-04-20. Review status: criteria provided, single submitter. Criteria: Ambry Variant Classification Scheme 2023. Collection method: clinical testing. Allele origin: germline.
Comment: The p.K594I variant (also known as c.1781A>T), located in coding exon 6 of the BLM gene, results from an A to T substitution at nucleotide position 1781. The lysine at codon 594 is replaced by isoleucine, an amino acid with dissimilar properties. This amino acid position is conserved. In addition, this alteration is predicted to be tolerated by in silico analysis. Based on the available evidence, the clinical significance of this variant remains unclear.

Labcorp Genetics (formerly Invitae), Labcorp
Classification: Uncertain significance for Bloom syndrome. Last evaluated: 2021-07-16. Review status: criteria provided, single submitter. Criteria: Invitae Variant Classification Sherloc (09022015). Collection method: clinical testing. Allele origin: germline.
Comment: Algorithms developed to predict the effect of missense changes on protein structure and function are either unavailable or do not agree on the potential impact of this missense change (SIFT: "Tolerated"; PolyPhen-2: "Possibly Damaging"; Align-GVGD: "Class C0"). This variant has not been reported in the literature in individuals affected with BLM-related conditions. This variant is not present in population databases (ExAC no frequency). This sequence change replaces lysine with isoleucine at codon 594 of the BLM protein (p.Lys594Ile). The lysine residue is weakly conserved and there is a moderate physicochemical difference between lysine and isoleucine. In summary, the available evidence is currently insufficient to determine the role of this variant in disease. Therefore, it has been classified as a Variant of Uncertain Significance.

NM_000057.4(BLM):c.1781A>T (p.Lys594Ile)

Gene: BLM (BLM RecQ like helicase; plus strand). Cytogenetic location: 15q26.1.
Variant type: single nucleotide variant.
Coding change: c.1781A>T on transcript NM_000057.4 (MANE Select); coding-DNA position 1781, A replaced by T.
Protein change: p.Lys594Ile; replaces lysine 594 with isoleucine.
Molecular consequence: missense variant.
Genome position (GRCh38, 1-based): chr15:90,761,154, A>T. VCF-style: chr15-90761154-A-T. GRCh37 (hg19) VCF-style: chr15-91304384-A-T.
Other names: c.1781A>T, p.Lys594Ile (NM_001287246.2, NM_001287247.2); c.656A>T, p.Lys219Ile (NM_001287248.2); c.1781A>T (NM_000057.2); short protein forms K219I, K594I.
Identifiers: ClinVar variation 1411444 (VCV001411444.9), dbSNP rs2151158958, ClinGen allele CA393843829.
Genomic context (GRCh38, chr15:90,761,154, plus strand): 5'-TAGCAGCCAGCAAATCTTCCACAGCTGCCTATCAACCCATCAAGGAAGGTCGGCCAATTA[A>T]ATCAGTATCAGAAAGACTTTCCTCAGCCAAGACAGACTGTCTTCCAGTGTCATCTACTGC-3'
Protein context (NP_000048.1, residues 584-604): YQPIKEGRPI[Lys594Ile]SVSERLSSAK